The following is an entry in ClinVar:

ClinVar aggregate classification (germline): Uncertain significance (1 of 4 stars; one submission).

Conditions:
Acrocallosal syndrome (ACLS). Also called: Schinzel syndrome 1; Absence of corpus callosum with unusual facial appearance, mental deficiency, duplication of the halluces and polydactyly; HALLUX DUPLICATION, POSTAXIAL POLYDACTYLY, AND ABSENCE OF CORPUS CALLOSUM. Identifiers: Orphanet 36, MedGen C0796147, MONDO:0008708, OMIM 200990.

Submission:

Labcorp Genetics (formerly Invitae), Labcorp
Classification: Uncertain significance for Acrocallosal syndrome. Last evaluated: 2022-02-28. Review status: criteria provided, single submitter. Criteria: Invitae Variant Classification Sherloc (09022015). Collection method: clinical testing. Allele origin: germline.
Comment: In summary, the available evidence is currently insufficient to determine the role of this variant in disease. Therefore, it has been classified as a Variant of Uncertain Significance. Algorithms developed to predict the effect of missense changes on protein structure and function (SIFT, PolyPhen-2, Align-GVGD) all suggest that this variant is likely to be disruptive. This variant has not been reported in the literature in individuals affected with KIF7-related conditions. This variant is not present in population databases (gnomAD no frequency). This sequence change replaces leucine, which is neutral and non-polar, with proline, which is neutral and non-polar, at codon 1128 of the KIF7 protein (p.Leu1128Pro).

NM_198525.3(KIF7):c.3383T>C (p.Leu1128Pro)

Genes: KIF7 (kinesin family member 7; minus strand), LOC126862216 (BRD4-independent group 4 enhancer GRCh37_chr15:90171995-90173194; plus strand). Cytogenetic location: 15q26.1.
Variant type: single nucleotide variant.
Coding change: c.3383T>C on transcript NM_198525.3 (MANE Select); coding-DNA position 3383, T replaced by C.
Protein change: p.Leu1128Pro; replaces leucine 1128 with proline.
Molecular consequence: missense variant.
Genome position (GRCh38, 1-based): chr15:89,629,509, A>G on the plus strand (T>C on the coding strand, the complement: KIF7 is on the minus strand). VCF-style: chr15-89629509-A-G. GRCh37 (hg19) VCF-style: chr15-90172740-A-G.
Other names: short protein forms L1128P.
Identifiers: ClinVar variation 2104524 (VCV002104524.4), dbSNP rs2141994262, ClinGen allele CA393755638.